The following is an entry in ClinVar:

NM_001754.5(RUNX1):c.216G>A (p.Arg72=)

Gene: RUNX1 (RUNX family transcription factor 1; minus strand). Cytogenetic location: 21q22.12.
Variant type: single nucleotide variant.
Coding change: c.216G>A on transcript NM_001754.5 (MANE Select); coding-DNA position 216, G replaced by A.
Protein change: p.Arg72=; no amino-acid change (arginine 72 retained).
Molecular consequence: synonymous variant.
Genome position (GRCh38, 1-based): chr21:34,886,978, C>T on the plus strand (G>A on the coding strand, the complement: RUNX1 is on the minus strand). VCF-style: chr21-34886978-C-T. GRCh37 (hg19) VCF-style: chr21-36259275-C-T.
Other names: NM_001754.5(RUNX1):c.216G>A; p.Arg72=; c.135G>A, p.Arg45= (NM_001001890.3, NM_001122607.2).
Identifiers: ClinVar variation 2853076 (VCV002853076.5), dbSNP rs2517485722, ClinGen allele CA512318911.

ClinVar aggregate classification (germline): Likely benign. Review status: reviewed by expert panel (3 of 4 stars). 3 submissions from 3 submitters: Likely benign (1). 2 of the submissions do not count toward it. Last evaluated 2024-09-18.

Conditions:
Inborn genetic diseases. Identifiers: MedGen C0950123, MeSH D030342.
Hereditary thrombocytopenia and hematologic cancer predisposition syndrome. Identifiers: Orphanet 71290, MedGen CN281654, MONDO:0011071.
Hereditary thrombocytopenia and hematological cancer predisposition syndrome associated with RUNX1. Also called: Familial Platelet Disorder with Propensity to Acute Myelogenous Leukemia; Familial thrombocytopenia with propensity to acute myelogenous leukemia; PLATELET DISORDER, ASPIRIN-LIKE; RUNX1 Familial Platelet Disorder with Associated Myeloid Malignancies. Identifiers: Orphanet 71290, MedGen C1832388, MeSH C563324, MONDO:0100083, OMIM 601399.

Allele frequency attached by ClinVar (database versions not stated): gnomAD exomes below 0.00001.
gnomAD v4.1: 1 of 1,609,282 alleles (0.000062%); highest among the groups gnomAD compares: Non-Finnish European, 0.000085%; no homozygotes.

Submissions (3):

ClinGen Myeloid Malignancy Variant Curation Expert Panel
Classification: Likely benign for Hereditary thrombocytopenia and hematologic cancer predisposition syndrome. Last evaluated: 2024-09-18. Review status: reviewed by expert panel. Criteria: ClinGen MyeloMalig ACMG Specifications v2. Collection method: curation. Allele origin: germline. Inheritance: Autosomal dominant inheritance.
Comment: NM_001754.5(RUNX1):c.216G>A (p.Arg72=) is a synonymous variant which has a SpliceAI score ≤ 0.20 (0.0) (BP4). This variant has a SpliceAI score ≤ 0.20 (0.0) and evolutionary conservation algorithms predict the site as not being conserved (PhyloP score ≤ 2.0 (1.43) (BP7). This variant is completely absent from all population databases with at least 20x coverage for RUNX1 (PM2_Supporting). In summary, this variant meets criteria to be classified as likely benign. ACMG/AMP criteria applied, as specified by the Myeloid Malignancy Variant Curation Expert Panel for RUNX1: BP4, BP7, PM2_supporting.

Ambry Genetics
Classification: Likely benign for Inborn genetic diseases. Last evaluated: 2025-12-04. Review status: criteria provided, single submitter. Criteria: Ambry Variant Classification Scheme 2023. Collection method: clinical testing. Allele origin: germline. Not counted in ClinVar's aggregate classification.

Labcorp Genetics (formerly Invitae), Labcorp
Classification: Likely benign for Hereditary thrombocytopenia and hematological cancer predisposition syndrome associated with RUNX1. Last evaluated: 2023-04-07. Review status: criteria provided, single submitter. Criteria: Invitae Variant Classification Sherloc (09022015). Collection method: clinical testing. Allele origin: germline. Not counted in ClinVar's aggregate classification.